The following is an entry in ClinVar:

NM_152598.4(MARCHF10):c.617C>T (p.Ser206Leu)

Genes: MARCHF10 (membrane associated ring-CH-type finger 10; minus strand), MARCHF10-AS1 (MARCHF10 antisense RNA 1; plus strand). Cytogenetic location: 17q23.2.
Variant type: single nucleotide variant.
Coding change: c.617C>T on transcript NM_152598.4 (MANE Select); coding-DNA position 617, C replaced by T.
Protein change: p.Ser206Leu; replaces serine 206 with leucine.
Molecular consequence: missense variant. On other transcripts: non-coding transcript variant (1).
Genome position (GRCh38, 1-based): chr17:62,737,251, G>A on the plus strand (C>T on the coding strand, the complement: MARCHF10 is on the minus strand). VCF-style: chr17-62737251-G-A. GRCh37 (hg19) VCF-style: chr17-60814612-G-A.
Other names: c.617C>T, p.Ser206Leu (NM_001100875.3); c.731C>T, p.Ser244Leu (NM_001288779.2); c.614C>T, p.Ser205Leu (NM_001288780.2); short protein forms S205L, S206L, S244L.
Identifiers: ClinVar variation 3049235 (VCV003049235.2), dbSNP rs138762803, ClinGen allele CA8696939.

ClinVar aggregate classification (germline): Likely benign (0 of 4 stars; one submission).

Conditions:
MARCHF10-related disorder. Also called: MARCHF10-related condition.

Allele frequency attached by ClinVar (database versions not stated): gnomAD exomes 0.00014; ExAC 0.00040; ESP Exome Variant Server 0.00108; gnomAD 0.00129; TOPMed 0.00146; 1000 Genomes Project 30x 0.00203; 1000 Genomes Project 0.00260.
gnomAD v4.1: 412 of 1,613,938 alleles (0.026%); highest among the groups gnomAD compares: African/African-American, 0.44%; 1 homozygote.

Submission:

PreventionGenetics, part of Exact Sciences
Classification: Likely benign for MARCHF10-related condition. Last evaluated: 2022-05-17. Review status: no assertion criteria provided. Collection method: clinical testing. Allele origin: germline.
Comment: This variant is classified as likely benign based on ACMG/AMP sequence variant interpretation guidelines (Richards et al. 2015 PMID: 25741868, with internal and published modifications).